The following is an entry in ClinVar:

NM_015338.6(ASXL1):c.3218G>C (p.Arg1073Pro)

Gene: ASXL1 (ASXL transcriptional regulator 1; plus strand). Cytogenetic location: 20q11.21.
Variant type: single nucleotide variant.
Coding change: c.3218G>C on transcript NM_015338.6 (MANE Select); coding-DNA position 3218, G replaced by C.
Protein change: p.Arg1073Pro; replaces arginine 1073 with proline.
Molecular consequence: missense variant.
Genome position (GRCh38, 1-based): chr20:32,435,930, G>C. VCF-style: chr20-32435930-G-C. GRCh37 (hg19) VCF-style: chr20-31023733-G-C.
Other names: c.3035G>C, p.Arg1012Pro (NM_001363734.1); short protein forms R1012P, R1073P.
Identifiers: ClinVar variation 3792367 (VCV003792367.3).
Genomic context (GRCh38, chr20:32,435,930, plus strand): 5'-TTACAAGGACAGATGGGATGGTTGCTCCTCAGAGCTGGGTGTCTCGAGTATGTGCGGTCC[G>C]CCAAAAGATCCCAGATTCCCTACTGCTGGCCAGTACTGAGTACCAGCCAAGAGCCGTGTG-3'
Protein context (NP_056153.2, residues 1063-1083): QSWVSRVCAV[Arg1073Pro]QKIPDSLLLA

ClinVar aggregate classification (germline): Conflicting classifications of pathogenicity. Review status: criteria provided, conflicting classifications (1 of 4 stars). 2 submissions from 2 submitters: Uncertain significance (1); Likely benign (1). Last evaluated 2026-06-10.

Conditions:
Inborn genetic diseases. Identifiers: MedGen C0950123, MeSH D030342.

gnomAD v4.1: 3 of 1,614,128 alleles (0.00019%); highest among the groups gnomAD compares: African/African-American, 0.0027%; no homozygotes.

Submissions (2):

Ambry Genetics
Classification: Likely benign for Inborn genetic diseases. Last evaluated: 2026-06-10. Review status: criteria provided, single submitter. Criteria: Ambry Variant Classification Scheme 2023. Collection method: clinical testing. Allele origin: germline.

Labcorp Genetics (formerly Invitae), Labcorp
Classification: Uncertain significance. Last evaluated: 2025-03-19. Review status: criteria provided, single submitter. Criteria: Invitae Variant Classification Sherloc (09022015). Collection method: clinical testing. Allele origin: germline.
Comment: This sequence change replaces arginine, which is basic and polar, with proline, which is neutral and non-polar, at codon 1073 of the ASXL1 protein (p.Arg1073Pro). This variant is present in population databases (no rsID available, gnomAD 0.003%). This variant has not been reported in the literature in individuals affected with ASXL1-related conditions. An algorithm developed to predict the effect of missense changes on protein structure and function outputs the following: PolyPhen-2: "Benign". The proline amino acid residue is found in multiple mammalian species, which suggests that this missense change does not adversely affect protein function. In summary, the available evidence is currently insufficient to determine the role of this variant in disease. Therefore, it has been classified as a Variant of Uncertain Significance.